The following is an entry in ClinVar:

NM_001142800.2(EYS):c.149G>T (p.Cys50Phe)

Gene: EYS (EGF-like photoreceptor maintenance factor; minus strand). Cytogenetic location: 6q12.
Variant type: single nucleotide variant.
Coding change: c.149G>T on transcript NM_001142800.2 (MANE Select); coding-DNA position 149, G replaced by T.
Protein change: p.Cys50Phe; replaces cysteine 50 with phenylalanine.
Molecular consequence: missense variant.
Genome position (GRCh38, 1-based): chr6:65,495,262, C>A on the plus strand (G>T on the coding strand, the complement: EYS is on the minus strand). VCF-style: chr6-65495262-C-A. GRCh37 (hg19) VCF-style: chr6-66205155-C-A.
Other names: c.149G>T, p.Cys50Phe (NM_001142801.2, NM_001292009.2, NM_198283.2); short protein forms C50F.
Identifiers: ClinVar variation 3614830 (VCV003614830.2).

ClinVar aggregate classification (germline): Uncertain significance (1 of 4 stars; one submission).

gnomAD v4.1: 6 of 1,613,990 alleles (0.00037%); highest among the groups gnomAD compares: Non-Finnish European, 0.00051%; no homozygotes.

Submission:

Labcorp Genetics (formerly Invitae), Labcorp
Classification: Uncertain significance. Last evaluated: 2024-09-29. Review status: criteria provided, single submitter. Criteria: Invitae Variant Classification Sherloc (09022015). Collection method: clinical testing. Allele origin: germline.
Comment: This sequence change replaces cysteine, which is neutral and slightly polar, with phenylalanine, which is neutral and non-polar, at codon 50 of the EYS protein (p.Cys50Phe). This variant is present in population databases (rs61759464, gnomAD 0.002%). This variant has not been reported in the literature in individuals affected with EYS-related conditions. An algorithm developed to predict the effect of missense changes on protein structure and function outputs the following: PolyPhen-2: "Probably Damaging". The phenylalanine amino acid residue is found in multiple mammalian species, which suggests that this missense change does not adversely affect protein function. In summary, the available evidence is currently insufficient to determine the role of this variant in disease. Therefore, it has been classified as a Variant of Uncertain Significance.